The following is an entry in ClinVar:

NM_001128178.3(NPHP1):c.68A>T (p.Gln23Leu)

Gene: NPHP1 (nephrocystin 1; minus strand). Cytogenetic location: 2q13.
Variant type: single nucleotide variant.
Coding change: c.68A>T on transcript NM_001128178.3 (MANE Select); coding-DNA position 68, A replaced by T.
Protein change: p.Gln23Leu; replaces glutamine 23 with leucine.
Molecular consequence: missense variant.
Genome position (GRCh38, 1-based): chr2:110,204,901, T>A on the plus strand (A>T on the coding strand, the complement: NPHP1 is on the minus strand). VCF-style: chr2-110204901-T-A. GRCh37 (hg19) VCF-style: chr2-110962478-T-A.
Other names: c.68A>T, p.Gln23Leu (NM_000272.5, NM_001128179.3, NM_001374256.1 and 2 more transcripts); short protein forms Q23L.
Identifiers: ClinVar variation 2104481 (VCV002104481.4), dbSNP rs2467621274, ClinGen allele CA348094237.

ClinVar aggregate classification (germline): Uncertain significance (1 of 4 stars; one submission).

Conditions:
Nephronophthisis. Also called: Juvenile Nephronophthisis. Identifiers: Orphanet 655, MedGen C0687120, MONDO:0019005, HP:0000090.

Submission:

Labcorp Genetics (formerly Invitae), Labcorp
Classification: Uncertain significance for Nephronophthisis. Last evaluated: 2022-02-28. Review status: criteria provided, single submitter. Criteria: Invitae Variant Classification Sherloc (09022015). Collection method: clinical testing. Allele origin: germline.
Comment: In summary, the available evidence is currently insufficient to determine the role of this variant in disease. Therefore, it has been classified as a Variant of Uncertain Significance. Algorithms developed to predict the effect of missense changes on protein structure and function are either unavailable or do not agree on the potential impact of this missense change (SIFT: "Deleterious"; PolyPhen-2: "Possibly Damaging"; Align-GVGD: "Class C0"). This variant has not been reported in the literature in individuals affected with NPHP1-related conditions. This variant is not present in population databases (gnomAD no frequency). This sequence change replaces glutamine, which is neutral and polar, with leucine, which is neutral and non-polar, at codon 23 of the NPHP1 protein (p.Gln23Leu).